The following is an entry in ClinVar:

NM_052874.5(STX1B):c.26G>A (p.Arg9Gln)

Gene: STX1B (syntaxin 1B; minus strand). Cytogenetic location: 16p11.2.
Variant type: single nucleotide variant.
Coding change: c.26G>A on transcript NM_052874.5 (MANE Select); coding-DNA position 26, G replaced by A.
Protein change: p.Arg9Gln; replaces arginine 9 with glutamine.
Molecular consequence: missense variant.
Genome position (GRCh38, 1-based): chr16:31,010,371, C>T on the plus strand (G>A on the coding strand, the complement: STX1B is on the minus strand). VCF-style: chr16-31010371-C-T. GRCh37 (hg19) VCF-style: chr16-31021692-C-T.
Other names: short protein forms R9Q.
Identifiers: ClinVar variation 862724 (VCV000862724.9), dbSNP rs774963206, ClinGen allele CA8018543.

ClinVar aggregate classification (germline): Uncertain significance (1 of 4 stars; one submission).

Conditions:
Generalized epilepsy with febrile seizures plus, type 9 (GEFSP9). Also called: GEFS+, TYPE 9. Identifiers: Orphanet 36387, MedGen C4015395, MONDO:0014517, OMIM 616172.

Allele frequency attached by ClinVar (database versions not stated): TOPMed below 0.00001; gnomAD 0.00001; gnomAD exomes 0.00001; ExAC 0.00002.
gnomAD v4.1: 8 of 1,502,956 alleles (0.00053%); highest among the groups gnomAD compares: South Asian, 0.004%; no homozygotes.

Submission:

Labcorp Genetics (formerly Invitae), Labcorp
Classification: Uncertain significance for Generalized epilepsy with febrile seizures plus, type 9. Last evaluated: 2022-09-01. Review status: criteria provided, single submitter. Criteria: Invitae Variant Classification Sherloc (09022015). Collection method: clinical testing. Allele origin: germline.
Comment: In summary, the available evidence is currently insufficient to determine the role of this variant in disease. Therefore, it has been classified as a Variant of Uncertain Significance. Algorithms developed to predict the effect of sequence changes on RNA splicing suggest that this variant may create or strengthen a splice site. Algorithms developed to predict the effect of missense changes on protein structure and function (SIFT, PolyPhen-2, Align-GVGD) all suggest that this variant is likely to be tolerated. ClinVar contains an entry for this variant (Variation ID: 862724). This variant has not been reported in the literature in individuals affected with STX1B-related conditions. The frequency data for this variant in the population databases is considered unreliable, as metrics indicate poor data quality at this position in the gnomAD database. This sequence change replaces arginine, which is basic and polar, with glutamine, which is neutral and polar, at codon 9 of the STX1B protein (p.Arg9Gln).